The following is an entry in ClinVar:

ClinVar aggregate classification (germline): Benign. Review status: reviewed by expert panel (3 of 4 stars). 2 submissions from 2 submitters: Benign (1). 1 of the submissions does not count toward it. Last evaluated 2015-01-12.

Conditions:
Breast-ovarian cancer, familial, susceptibility to, 1 (BROVCA1). Also called: OVARIAN CANCER, SUSCEPTIBILITY TO; BRCA1 Hereditary Breast and Ovarian Cancer. Identifiers: Orphanet 145, MedGen C2676676, MONDO:0011450, OMIM 604370. Disease mechanism: loss of function.

Allele frequency attached by ClinVar (database versions not stated): gnomAD 0.00509 and 0.00470; gnomAD exomes 0.00047; 1000 Genomes Project 0.00499; TOPMed 0.00518; 1000 Genomes Project 30x 0.00406.
gnomAD v4.1: 792 of 324,762 alleles (0.24%); highest among the groups gnomAD compares: African/African-American, 1.6%; 12 homozygotes.

Submissions (2):

Evidence-based Network for the Interpretation of Germline Mutant Alleles (ENIGMA)
Classification: Benign for Breast-ovarian cancer, familial 1. Last evaluated: 2015-01-12. Review status: reviewed by expert panel. Criteria: ENIGMA BRCA1/2 Classification Criteria (2015). Collection method: curation. Allele origin: germline.
Comment: Class 1 not pathogenic based on frequency >1% in an outbred sampleset. Frequency 0.02 (African), derived from 1000 genomes (2012-04-30).

GeneDx
Classification: Likely benign. Last evaluated: 2018-06-26. Review status: criteria provided, single submitter. Criteria: GeneDx Variant Classification Process June 2021. Collection method: clinical testing. Allele origin: germline. Affected: yes. Not counted in ClinVar's aggregate classification.

NM_007294.3(BRCA1):c.-273G>A

Genes: BRCA1 (BRCA1 DNA repair associated; minus strand), LOC111589215 (BRCA1 promoter region; plus strand). Cytogenetic location: 17q21.31.
Variant type: single nucleotide variant.
Coding change: c.-273G>A on transcript NM_007294.3; 273 bases upstream of the start codon, G replaced by A.
Molecular consequence: intron variant (on NM_001408458.1).
Genome position (GRCh38, 1-based): chr17:43,125,524, C>T on the plus strand (G>A on the coding strand, the complement: BRCA1 is on the minus strand). VCF-style: chr17-43125524-C-T. GRCh37 (hg19) VCF-style: chr17-41277541-C-T.
Other names: -154 G>A; c.-61-9745G>A (NM_001408458.1).
Identifiers: ClinVar variation 209580 (VCV000209580.5), dbSNP rs112960339, ClinGen allele CA276549.
Genomic context (GRCh38, chr17:43,125,524, plus strand): 5'-AGAATACGAAATCAAGGTACAATCAGAGGATGGGAGGGACAGAAAGAGCCAAGCGTCTCT[C>T]GGGGCTCTGGATTGGCCACCCAGTCTGCCCCCGGATGACGTAAAAGGAAAGAGACGGAAG-3'